The following is an entry in ClinVar:

NM_000186.4(CFH):c.3546_3581dup (p.Gly1194_Glu1195insTrpThrAlaLysGlnLysLeuTyrSerArgThrGly)

Gene: CFH (complement factor H; plus strand). Cytogenetic location: 1q31.3.
Variant type: Duplication.
Coding change: c.3546_3581dup on transcript NM_000186.4 (MANE Select); coding-DNA positions 3546 to 3581, 36 bases duplicated.
Protein change: p.Gly1194_Glu1195insTrpThrAlaLysGlnLysLeuTyrSerArgThrGly.
Molecular consequence: inframe insertion.
Genome position (GRCh38, 1-based): chr1:196,747,163-196,747,198, 36 bases duplicated; duplicating any 36 consecutive bases within chr1:196,747,162-196,747,198 gives the same sequence; the c. name uses the placement nearest the transcript's 3' end. GRCh37 (hg19): chr1:196,716,293-196,716,328.
Identifiers: ClinVar variation 4291600 (VCV004291600.1).
Genomic context (GRCh38, chr1:196,747,161, plus strand): 5'-TTATTTTCAGATCCGTGTGTAATATCCCGAGAAATTATGGAAAATTATAACATAGCATTA[A>AGGTGGACAGCCAAACAGAAGCTTTATTCGAGAACAG]GGTGGACAGCCAAACAGAAGCTTTATTCGAGAACAGGTGAATCAGTTGAATTTGTGTGTA-3'

ClinVar aggregate classification (germline): Uncertain significance (1 of 4 stars; one submission).

Conditions:
Atypical hemolytic-uremic syndrome. Identifiers: Orphanet 2134, MedGen C2931788, MONDO:0016244.

Submission:

Genomenon, Inc
Classification: Uncertain significance for Atypical hemolytic-uremic syndrome. Last evaluated: 2025-10-02. Review status: criteria provided, single submitter. Criteria: Genomenon Sequence Variant Interpretation Standards - Updated. Collection method: curation. Allele origin: germline. Affected: yes.
Comment: CFH p.Trp1183_Gly1194dup (c.3546_3581dup) is an in-frame duplication that results in the duplication of multiple amino acids, from Tryptophan at codon 1183 to Glycine at codon 1194. This variant has been observed in at least one proband affected with atypical hemolytic-uremic syndrome (PMID:36845135). It is absent or not present at a significant frequency in gnomAD. In conclusion, we classify CFH p.Trp1183dup (c.3546_3581dup) as a variant of uncertain significance.

Literature cited by the submitters: PubMed 36845135.